The following is an entry in ClinVar:

ClinVar aggregate classification (germline): Uncertain significance (1 of 4 stars; one submission).

gnomAD v4.1: 12 of 1,614,072 alleles (0.00074%); highest among the groups gnomAD compares: Admixed American, 0.015%; no homozygotes.

Submission:

Labcorp Genetics (formerly Invitae), Labcorp
Classification: Uncertain significance. Last evaluated: 2025-10-02. Review status: criteria provided, single submitter. Criteria: Invitae Variant Classification Sherloc (09022015). Collection method: clinical testing. Allele origin: germline.
Comment: This sequence change replaces lysine, which is basic and polar, with threonine, which is neutral and polar, at codon 179 of the PTDSS1 protein (p.Lys179Thr). This variant is present in population databases (rs368150019, gnomAD 0.01%). This variant has not been reported in the literature in individuals affected with PTDSS1-related conditions. ClinVar contains an entry for this variant (Variation ID: 3623499). Invitae Evidence Modeling of protein sequence and biophysical properties (such as structural, functional, and spatial information, amino acid conservation, physicochemical variation, residue mobility, and thermodynamic stability) indicates that this missense variant is expected to disrupt PTDSS1 protein function with a positive predictive value of 80%. In summary, the available evidence is currently insufficient to determine the role of this variant in disease. Therefore, it has been classified as a Variant of Uncertain Significance.

NM_014754.3(PTDSS1):c.536A>C (p.Lys179Thr)

Gene: PTDSS1 (phosphatidylserine synthase 1; plus strand). Cytogenetic location: 8q22.1.
Variant type: single nucleotide variant.
Coding change: c.536A>C on transcript NM_014754.3 (MANE Select); coding-DNA position 536, A replaced by C.
Protein change: p.Lys179Thr; replaces lysine 179 with threonine.
Molecular consequence: missense variant.
Genome position (GRCh38, 1-based): chr8:96,295,192, A>C. VCF-style: chr8-96295192-A-C. GRCh37 (hg19) VCF-style: chr8-97307420-A-C.
Other names: c.98A>C, p.Lys33Thr (NM_001290225.2); short protein forms K179T, K33T.
Identifiers: ClinVar variation 3623499 (VCV003623499.2).
Genomic context (GRCh38, chr8:96,295,192, plus strand): 5'-AGAGGATTATCAGCCACTTTGATATTTTTGCATTTGGACATTTCTGGGGCTGGGCCATGA[A>C]GGCCTTGCTGATCCGTAGTTACGGTCTCTGCTGGACAATCAGTATTACCTGGGAGCTGAC-3'
Protein context (NP_055569.1, residues 169-189): AFGHFWGWAM[Lys179Thr]ALLIRSYGLC